The following continues an entry in ClinVar:

NM_058216.3(RAD51C):c.784T>G (p.Leu262Val)

Gene: RAD51C. ClinVar aggregate classification (germline): Conflicting classifications of pathogenicity. Uncertain significance (17); Benign (1); Likely benign (3).

Submission 25 of 25:

Department of Pathology and Laboratory Medicine, Sinai Health System
Classification: Uncertain significance for Malignant tumor of breast. Review status: no assertion criteria provided. Collection method: clinical testing. Allele origin: unknown. Affected: yes. Study: The Canadian Open Genetics Repository (COGR). Not counted in ClinVar's aggregate classification.
Comment: The RAD51C p.Leu262Val variant was identified in 6 of 12090 proband chromosomes (frequency: 0.001) from individuals or families with breast and ovarian cancer and was present in 1 of 4854 control chromosomes (frequency: 0.0002) from healthy individuals (Jonson 2015, Song 2015, Thompson 2012). The variant was also identified in the following databases: dbSNP (ID: rs149331537) as With Uncertain significance allele, ClinVar (classified as uncertain significance by GeneDx, Ambry Genetics, Invitae, Counsyl, Color Genomics), and LOVD 3.0 (2X). The variant was not identified in the Cosmic or MutDB databases. The variant was identified in control databases in 19 of 277192 chromosomes at a frequency of 0.000069 (Genome Aggregation Database Feb 27, 2017). Breakdown of the observations by population include African in 1 of 24034 chromosomes (freq: 0.00004), Other in 1 of 6466 chromosomes (freq: 0.0002), European Non-Finnish in 16 of 126684 chromosomes (freq: 0.0001), European Finnish in 1 of 25790 chromosomes (freq: 0.00004), while the variant was not observed in the Latino, Ashkenazi Jewish, East Asian, and South Asian populations. The p.Leu262 residue is conserved across mammals and other organisms, and four out of five computational analyses (PolyPhen-2, SIFT, AlignGVGD, BLOSUM, MutationTaster) suggest that the p.Leu262Val variant may impact the protein; however, this information is not predictive enough to assume pathogenicity. The variant occurs outside of the splicing consensus sequence and 5 of 5 in silico or computational prediction software programs (SpliceSiteFinder, MaxEntScan, NNSPLICE, GeneSplicer, HumanSpliceFinder) predict a greater than 10% difference in splicing. However, this information is not predictive enough to assume pathogenicity. In addition, Human Splicing Finder (HSF) splice analysis showed the possible introduction of a cryptic donor site caused by c.784T>G (Thompson 2012). In summary, based on the above information, the clinical significance of this variant cannot be determined with certainty at this time. This variant is classified as a variant of uncertain significance.

Literature cited by the submitters: PubMed 21990120 (cited by 10 submitters); PubMed 26261251 (cited by 8 submitters); PubMed 26740214 (cited by 9 submitters); PubMed 28135145 (cited by 4 submitters); PubMed 28767289 (cited by 7 submitters); PubMed 35039523 (cited by 3 submitters); PubMed 36099300 (cited by 5 submitters); PubMed 37253112 (cited by 4 submitters); PubMed 39299233 (cited by 3 submitters); PubMed 24504028 (cited by 5 submitters); PubMed 25086635 (cited by 4 submitters); PubMed 29522266 (cited by Ambry Genetics and Mayo Clinic Laboratories, Mayo Clinic); PubMed 32885271 (cited by 3 submitters); PubMed 33471991 (cited by 3 submitters); PubMed 32659497 (cited by 4 submitters); PubMed 30426508 (cited by Quest Diagnostics Nichols Institute San Juan Capistrano and Women's Health and Genetics/Laboratory Corporation of America, LabCorp); PubMed 30306255 (cited by Quest Diagnostics Nichols Institute San Juan Capistrano and Women's Health and Genetics/Laboratory Corporation of America, LabCorp); PubMed 25470109 (cited by Quest Diagnostics Nichols Institute San Juan Capistrano and Women's Health and Genetics/Laboratory Corporation of America, LabCorp); PubMed 23117857 (cited by Quest Diagnostics Nichols Institute San Juan Capistrano and Women's Health and Genetics/Laboratory Corporation of America, LabCorp); PubMed 29416752 (cited by Women's Health and Genetics/Laboratory Corporation of America, LabCorp and Mayo Clinic Laboratories, Mayo Clinic); PubMed 31874108 (cited by Women's Health and Genetics/Laboratory Corporation of America, LabCorp); PubMed 25085752 (cited by Myriad Genetics, Inc.); PubMed 26580448 (cited by Sema4).